The following is an entry in ClinVar:

ClinVar aggregate classification (germline): Likely pathogenic. Review status: criteria provided, multiple submitters, no conflicts (2 of 4 stars). 2 submissions from 2 submitters: Likely pathogenic (2). Last evaluated 2025-09-10.

Conditions:
Multiple congenital anomalies/dysmorphic syndrome-intellectual disability. Identifiers: Orphanet 102283, MedGen C5680372, MONDO:0015159.
Cardiac, facial, and digital anomalies with developmental delay. Identifiers: Orphanet 592570, MedGen C4748484, MONDO:0032572, OMIM 618164.

Submissions (2):

3billion
Classification: Likely pathogenic for Cardiac, facial, and digital anomalies with developmental delay. Last evaluated: 2025-09-10. Review status: criteria provided, single submitter. Criteria: ACMG Guidelines, 2015. Collection method: clinical testing. Allele origin: germline. Affected: yes.
Comment: The variant is not observed in the gnomAD v4.1.0 dataset. Predicted Consequence/Location: Missense variant. Missense changes are a common disease-causing mechanism. Damaging effect on gene or gene product predicted by in silico programs is uncertain [REVEL: 0.35 (damaging >=0.6, benign <0.4), 3Cnet: 0.34 (damaging >0.75, benign <0.1)]. The same nucleotide change resulting in the same amino acid change has been previously reported to be associated with TRAF7-related disorder (PMID: 32376980).The variant has been observed in at least two similarly affected unrelated individuals and confirmed to be assumed (i.e. paternity and maternity not confirmed) de novo in at least one similarly affected unrelated individual (PMID: 32376980). Additionally,ithas been reported to co-segregate with the disease in at least 3 similarly affected relatives/individuals in the same family or similarly affected unrelated families (PMID: 32376980). A different missense change at the same codon (p.Phe617Ser) has been reported to be associated with TRAF7-related disorder (ClinVar ID: VCV003773822 /PMID: 32376980). Therefore, this variant is classified as Likely pathogenic according to the recommendation of ACMG/AMP guideline.

AURAGEN, Plan France Médecine Génomique
Classification: Likely pathogenic for Multiple congenital anomalies/dysmorphic syndrome-intellectual disability. Last evaluated: 2021-10-22. Review status: criteria provided, single submitter. Criteria: PFMG2025 (Lancet Reg Health Eur. 2025). Collection method: clinical testing. Allele origin: germline. Affected: yes.

Literature cited by the submitters: PubMed 32376980 (cited by 3billion).

NM_032271.3(TRAF7):c.1851C>G (p.Phe617Leu)

Gene: TRAF7 (TNF receptor associated factor 7; plus strand). Cytogenetic location: 16p13.3.
Variant type: single nucleotide variant.
Coding change: c.1851C>G on transcript NM_032271.3 (MANE Select); coding-DNA position 1851, C replaced by G.
Protein change: p.Phe617Leu; replaces phenylalanine 617 with leucine.
Molecular consequence: missense variant.
Genome position (GRCh38, 1-based): chr16:2,176,153, C>G. VCF-style: chr16-2176153-C-G. GRCh37 (hg19) VCF-style: chr16-2226154-C-G.
Other names: short protein forms F617L.
Identifiers: ClinVar variation 4854517 (VCV004854517.2).